The following is an entry in ClinVar:

ClinVar aggregate classification (germline): Uncertain significance. Review status: criteria provided, multiple submitters, no conflicts (2 of 4 stars). 3 submissions from 3 submitters: Uncertain significance (3). Last evaluated 2024-01-11.

Conditions:
Familial hemophagocytic lymphohistiocytosis 3 (FHL3). Also called: UNC13D-Related Familial Hemophagocytic Lymphohistiocytosis (UNC13D-fHLH). Identifiers: Orphanet 540, MedGen C1837174, MONDO:0012146, OMIM 608898.

Allele frequency attached by ClinVar (database versions not stated): gnomAD 0.00003 and 0.00004; gnomAD exomes 0.00003 and 0.00005; TOPMed 0.00003; ExAC 0.00006.
gnomAD v4.1: 77 of 1,608,552 alleles (0.0048%); highest among the groups gnomAD compares: Non-Finnish European, 0.0057%; no homozygotes.

Submissions (3):

Women's Health and Genetics/Laboratory Corporation of America, LabCorp
Classification: Uncertain significance. Last evaluated: 2024-01-11. Review status: criteria provided, single submitter. Criteria: LabCorp Variant Classification Summary - May 2015. Collection method: clinical testing. Allele origin: germline.
Comment: Variant summary: UNC13D c.5C>T (p.Ala2Val) results in a non-conservative amino acid change in the encoded protein sequence. Four of five in-silico tools predict a benign effect of the variant on protein function. The variant allele was found at a frequency of 2.9e-05 in 239226 control chromosomes. The available data on variant occurrences in the general population are insufficient to allow any conclusion about variant significance. c.5C>T has been reported in the literature in at least one individual affected with Hemophagocytic Lymphohistiocytosis with no second variant specified (e.g. Miao_2019). This report does not provide unequivocal conclusions about association of the variant with Familial Hemophagocytic Lymphohistiocytosis. To our knowledge, no experimental evidence demonstrating an impact on protein function has been reported. The following publication has been ascertained in the context of this evaluation (PMID: 30899265). ClinVar contains an entry for this variant (Variation ID: 1472103). Based on the evidence outlined above, the variant was classified as uncertain significance.

Department of Pathology and Laboratory Medicine, Sinai Health System
Classification: Uncertain significance for Familial hemophagocytic lymphohistiocytosis 3. Last evaluated: 2023-07-17. Review status: criteria provided, single submitter. Criteria: ACMG Guidelines, 2015. Collection method: research. Allele origin: germline.

Labcorp Genetics (formerly Invitae), Labcorp
Classification: Uncertain significance for Familial hemophagocytic lymphohistiocytosis 3. Last evaluated: 2022-10-18. Review status: criteria provided, single submitter. Criteria: Invitae Variant Classification Sherloc (09022015). Collection method: clinical testing. Allele origin: germline.
Comment: This sequence change replaces alanine, which is neutral and non-polar, with valine, which is neutral and non-polar, at codon 2 of the UNC13D protein (p.Ala2Val). This variant is present in population databases (rs752295384, gnomAD 0.006%). This missense change has been observed in individual(s) with hemophagocytic lymphohistiocytosis (PMID: 30899265). ClinVar contains an entry for this variant (Variation ID: 1472103). Algorithms developed to predict the effect of missense changes on protein structure and function are either unavailable or do not agree on the potential impact of this missense change (SIFT: "Not Available"; PolyPhen-2: "Possibly Damaging"; Align-GVGD: "Not Available"). In summary, the available evidence is currently insufficient to determine the role of this variant in disease. Therefore, it has been classified as a Variant of Uncertain Significance.

Literature cited by the submitters: PubMed 30899265 (cited by Women's Health and Genetics/Laboratory Corporation of America, LabCorp and Labcorp Genetics (formerly Invitae), Labcorp).

NM_199242.3(UNC13D):c.5C>T (p.Ala2Val)

Gene: UNC13D (unc-13 homolog D; minus strand). Cytogenetic location: 17q25.1.
Variant type: single nucleotide variant.
Coding change: c.5C>T on transcript NM_199242.3 (MANE Select); coding-DNA position 5, C replaced by T.
Protein change: p.Ala2Val; replaces alanine 2 with valine.
Molecular consequence: missense variant.
Genome position (GRCh38, 1-based): chr17:75,844,333, G>A on the plus strand (C>T on the coding strand, the complement: UNC13D is on the minus strand). VCF-style: chr17-75844333-G-A. GRCh37 (hg19) VCF-style: chr17-73840414-G-A.
Other names: short protein forms A2V.
Identifiers: ClinVar variation 1472103 (VCV001472103.5), dbSNP rs752295384, ClinGen allele CA8773703.